The following is an entry in ClinVar:

ClinVar aggregate classification (germline): Likely pathogenic (1 of 4 stars; one submission).

Conditions:
Very long chain acyl-CoA dehydrogenase deficiency (ACADVLD). Also called: Very Long-Chain Acyl-Coenzyme A Dehydrogenase Deficiency; VLCAD Deficiency. Identifiers: Orphanet 26793, MedGen C3887523, MONDO:0008723, OMIM 201475.

Submission:

Labcorp Genetics (formerly Invitae), Labcorp
Classification: Likely pathogenic for Very long chain acyl-CoA dehydrogenase deficiency. Last evaluated: 2023-11-21. Review status: criteria provided, single submitter. Criteria: Invitae Variant Classification Sherloc (09022015). Collection method: clinical testing. Allele origin: germline.
Comment: This sequence change replaces methionine, which is neutral and non-polar, with isoleucine, which is neutral and non-polar, at codon 334 of the ACADVL protein (p.Met334Ile). This variant is not present in population databases (gnomAD no frequency). This variant has not been reported in the literature in individuals affected with ACADVL-related conditions. Advanced modeling of protein sequence and biophysical properties (such as structural, functional, and spatial information, amino acid conservation, physicochemical variation, residue mobility, and thermodynamic stability) performed at Invitae indicates that this missense variant is expected to disrupt ACADVL protein function with a positive predictive value of 95%. This variant disrupts the p.Met334 amino acid residue in ACADVL. Other variant(s) that disrupt this residue have been determined to be pathogenic (PMID: 27209629; Invitae). This suggests that this residue is clinically significant, and that variants that disrupt this residue are likely to be disease-causing. In summary, the currently available evidence indicates that the variant is pathogenic, but additional data are needed to prove that conclusively. Therefore, this variant has been classified as Likely Pathogenic.

Literature cited by the submitters: PubMed 27209629.

NM_000018.4(ACADVL):c.1002G>A (p.Met334Ile)

Gene: ACADVL (acyl-CoA dehydrogenase very long chain; plus strand). Cytogenetic location: 17p13.1.
Variant type: single nucleotide variant.
Coding change: c.1002G>A on transcript NM_000018.4 (MANE Select); coding-DNA position 1002, G replaced by A.
Protein change: p.Met334Ile; replaces methionine 334 with isoleucine.
Molecular consequence: missense variant.
Genome position (GRCh38, 1-based): chr17:7,222,790, G>A. VCF-style: chr17-7222790-G-A. GRCh37 (hg19) VCF-style: chr17-7126109-G-A.
Other names: c.936G>A, p.Met312Ile (NM_001033859.3); c.1071G>A, p.Met357Ile (NM_001270447.2); c.774G>A, p.Met258Ile (NM_001270448.2); short protein forms M312I, M334I, M357I, M258I.
Identifiers: ClinVar variation 2850777 (VCV002850777.3), dbSNP rs2508318094, ClinGen allele CA397724138.